The following is an entry in ClinVar:

NM_024753.5(TTC21B):c.1900-9T>C

Gene: TTC21B (tetratricopeptide repeat domain 21B; minus strand). Cytogenetic location: 2q24.3.
Variant type: single nucleotide variant.
Coding change: c.1900-9T>C on transcript NM_024753.5 (MANE Select); 9 bases into the intron before coding-DNA position 1900, T replaced by C.
Molecular consequence: intron variant.
Genome position (GRCh38, 1-based): chr2:165,915,448, A>G on the plus strand (T>C on the coding strand, the complement: TTC21B is on the minus strand). VCF-style: chr2-165915448-A-G. GRCh37 (hg19) VCF-style: chr2-166771958-A-G.
Identifiers: ClinVar variation 5001364 (VCV005001364.1).
Genomic context (GRCh38, chr2:165,915,448, plus strand): 5'-ATGTTCCAGAAAATTCATGGATGGCATCTTGTAAAACTTTGGTTGCCTCATGCTGTAAAG[A>G]TGAAATTAAAATAATCATTCTTCCAAAATAGTGAACAAATAACACTAGAAAGGGAGATTT-3'

ClinVar aggregate classification (germline): Likely benign (1 of 4 stars; one submission).

Conditions:
TTC21B-related disorder. Also called: TTC21B-related disorders; TTC21B-related condition.

gnomAD v4.1: 11 of 1,599,004 alleles (0.00069%); highest among the groups gnomAD compares: Non-Finnish European, 0.00094%; no homozygotes.

Submission:

PreventionGenetics, part of Exact Sciences
Classification: Likely benign for TTC21B-related condition. Last evaluated: 2025-07-17. Review status: criteria provided, single submitter. Criteria: ACMG Guidelines, 2015. Collection method: clinical testing. Allele origin: germline.
Comment: This variant is classified as likely benign based on ACMG/AMP sequence variant interpretation guidelines (Richards et al. 2015 PMID: 25741868, with internal and published modifications).